The following is an entry in ClinVar:

NM_001010874.5(TECRL):c.831A>C (p.Thr277=)

Gene: TECRL (trans-2,3-enoyl-CoA reductase like; minus strand). Cytogenetic location: 4q13.1.
Variant type: single nucleotide variant.
Coding change: c.831A>C on transcript NM_001010874.5 (MANE Select); coding-DNA position 831, A replaced by C.
Protein change: p.Thr277=; no amino-acid change (threonine 277 retained).
Molecular consequence: synonymous variant.
Genome position (GRCh38, 1-based): chr4:64,289,711, T>G on the plus strand (A>C on the coding strand, the complement: TECRL is on the minus strand). VCF-style: chr4-64289711-T-G. GRCh37 (hg19) VCF-style: chr4-65155429-T-G.
Other names: c.831A>C, p.Thr277= (NM_001363796.1).
Identifiers: ClinVar variation 1878729 (VCV001878729.1), dbSNP rs1046062869, ClinGen allele CA98608494.

ClinVar aggregate classification (germline): Uncertain significance (1 of 4 stars; one submission).

Allele frequency attached by ClinVar (database versions not stated): gnomAD exomes below 0.00001; TOPMed below 0.00001.
gnomAD v4.1: 3 of 1,536,582 alleles (0.0002%); highest among the groups gnomAD compares: Admixed American, 0.0024%; no homozygotes.

Submission:

GeneDx
Classification: Uncertain significance. Last evaluated: 2022-07-14. Review status: criteria provided, single submitter. Criteria: GeneDx Variant Classification Process June 2021. Collection method: clinical testing. Allele origin: germline. Affected: yes.
Comment: Not observed at significant frequency in large population cohorts (gnomAD); In silico analysis supports a deleterious effect on splicing; Has not been previously published as pathogenic or benign to our knowledge